The following is an entry in ClinVar:

ClinVar aggregate classification (germline): Uncertain significance (1 of 4 stars; one submission).

Submission:

Ambry Genetics
Classification: Uncertain significance. Last evaluated: 2021-04-23. Review status: criteria provided, single submitter. Criteria: Ambry Variant Classification Scheme 2023. Collection method: clinical testing. Allele origin: germline.
Comment: The p.E286K variant (also known as c.856G>A), located in coding exon 7 of the RINT1 gene, results from a G to A substitution at nucleotide position 856. The glutamic acid at codon 286 is replaced by lysine, an amino acid with similar properties. This amino acid position is not well conserved in available vertebrate species. In addition, this alteration is predicted to be tolerated by in silico analysis. Since supporting evidence is limited at this time, the clinical significance of this alteration remains unclear.

NM_021930.6(RINT1):c.856G>A (p.Glu286Lys)

Gene: RINT1 (RAD50 interactor 1; plus strand). Cytogenetic location: 7q22.3.
Variant type: single nucleotide variant.
Coding change: c.856G>A on transcript NM_021930.6 (MANE Select); coding-DNA position 856, G replaced by A.
Protein change: p.Glu286Lys; replaces glutamic acid 286 with lysine.
Molecular consequence: missense variant. On other transcripts: 5 prime UTR variant (2), non-coding transcript variant (1), intron variant (1).
Genome position (GRCh38, 1-based): chr7:105,548,570, G>A. VCF-style: chr7-105548570-G-A. GRCh37 (hg19) VCF-style: chr7-105189017-G-A.
Other names: c.622G>A, p.Glu208Lys (NM_001346599.2); c.-164G>A (NM_001346600.2); c.-69G>A (NM_001346601.2); c.-27-1485G>A (NM_001346603.2); short protein forms E208K, E286K.
Identifiers: ClinVar variation 1763886 (VCV001763886.2), dbSNP rs2485127459, ClinGen allele CA368807847.